The following is an entry in ClinVar:

ClinVar aggregate classification (germline): Uncertain significance (1 of 4 stars; one submission).

Conditions:
Infantile-onset X-linked spinal muscular atrophy. Also called: SPINAL MUSCULAR ATROPHY, X-LINKED LETHAL INFANTILE; Spinal Muscular Atrophy, X-Linked Infantile; Spinal muscular atrophy, X-linked 2; AMC, DISTAL, X-LINKED; ARTHROGRYPOSIS, X-LINKED, TYPE I. Identifiers: Orphanet 1145, MedGen C1844934, MONDO:0010532, OMIM 301830.

Submission:

Labcorp Genetics (formerly Invitae), Labcorp
Classification: Uncertain significance for Infantile-onset X-linked spinal muscular atrophy. Last evaluated: 2025-03-26. Review status: criteria provided, single submitter. Criteria: Invitae Variant Classification Sherloc (09022015). Collection method: clinical testing. Allele origin: germline.
Comment: This variant, c.2905_2907del, results in the deletion of 1 amino acid(s) of the UBA1 protein (p.Glu969del), but otherwise preserves the integrity of the reading frame. This variant is not present in population databases (gnomAD no frequency). This variant has not been reported in the literature in individuals affected with UBA1-related conditions. Experimental studies and prediction algorithms are not available or were not evaluated, and the functional significance of this variant is currently unknown. In summary, the available evidence is currently insufficient to determine the role of this variant in disease. Therefore, it has been classified as a Variant of Uncertain Significance.

NM_003334.4(UBA1):c.2902GAG[1] (p.Glu969del)

Gene: UBA1 (ubiquitin like modifier activating enzyme 1; plus strand). Cytogenetic location: Xp11.3.
Variant type: Microsatellite.
Coding change: c.2902GAG[1] on transcript NM_003334.4 (MANE Select); one copy of the 3-base unit GAG starting at c.2902; the reference has two copies in a row; one copy, 3 bases deleted.
Protein change: p.Glu969del; deletes glutamic acid 969.
Molecular consequence: inframe deletion.
Genome position (GRCh38, 1-based): chrX:47,214,393-47,214,395, GAG deleted; deleting any 3 consecutive bases within chrX:47,214,390-47,214,395 gives the same sequence; the position shown is the placement nearest the transcript's 3' end. VCF-style (leftmost placement, unchanged base first): chrX-47214389-TGAG-T. GRCh37 (hg19) VCF-style: chrX-47073788-TGAG-T.
Other names: c.2944GAG[1], p.Glu983del (NM_001440807.1); c.2920GAG[1], p.Glu975del (NM_001440809.1, NM_001440810.1); c.2902GAG[1], p.Glu969del (NM_001440811.1, NM_001440812.1, NM_153280.3); short protein forms E983del, E969del, E975del.
Identifiers: ClinVar variation 4695265 (VCV004695265.1).
Genomic context (GRCh38, chrX:47,214,389, plus strand): 5'-CTATAACCAAGAGTGGACATTGTGGGATCGCTTTGAGGTACAAGGGCTGCAGCCTAATGG[TGAG>T]GAGATGACCCTCAAACAGTTCCTCGACTATTTTAAGGTAAGGCCCCTCCCTTACTCTGTC-3'